The following is an entry in ClinVar:

NM_001277062.2(MFF):c.749T>G (p.Ile250Ser)

Gene: MFF (mitochondrial fission factor; plus strand). Cytogenetic location: 2q36.3.
Variant type: single nucleotide variant.
Coding change: c.749T>G on transcript NM_001277062.2 (MANE Select); coding-DNA position 749, T replaced by G.
Protein change: p.Ile250Ser; replaces isoleucine 250 with serine.
Molecular consequence: missense variant. On other transcripts: non-coding transcript variant (1).
Genome position (GRCh38, 1-based): chr2:227,356,990, T>G. VCF-style: chr2-227356990-T-G. GRCh37 (hg19) VCF-style: chr2-228221706-T-G.
Other names: c.902T>G, p.Ile301Ser (NM_001277061.2, NM_020194.5); c.605T>G, p.Ile202Ser (NM_001277063.2); c.590T>G, p.Ile197Ser (NM_001277064.2); c.530T>G, p.Ile177Ser (NM_001277065.2, NM_001277066.2); c.539T>G, p.Ile180Ser (NM_001277067.1); c.632T>G, p.Ile211Ser (NM_001277068.1); short protein forms I202S, I250S, I197S, I177S, I180S, I211S, I301S.
Identifiers: ClinVar variation 1029745 (VCV001029745.3), dbSNP rs1278600625, ClinGen allele CA350857023.

ClinVar aggregate classification (germline): Uncertain significance. Review status: criteria provided, multiple submitters, no conflicts (2 of 4 stars). 3 submissions from 3 submitters: Uncertain significance (3). Last evaluated 2025-02-24.

Conditions:
Inborn genetic diseases. Identifiers: MedGen C0950123, MeSH D030342.
Encephalopathy due to defective mitochondrial and peroxisomal fission 2 (EMPF2). Identifiers: Orphanet 485421, MedGen C4310726, MONDO:0014905, OMIM 617086.

Allele frequency attached by ClinVar (database versions not stated): gnomAD 0.00001; TOPMed 0.00002.
gnomAD v4.1: 1 of 1,609,226 alleles (0.000062%); highest among the groups gnomAD compares: African/African-American, 0.0013%; no homozygotes.

Submissions (3):

GeneDx
Classification: Uncertain significance. Last evaluated: 2025-02-24. Review status: criteria provided, single submitter. Criteria: GeneDx Variant Classification Process June 2021. Collection method: clinical testing. Allele origin: germline. Affected: yes.
Comment: Not observed at significant frequency in large population cohorts (gnomAD); In silico analysis supports that this missense variant has a deleterious effect on protein structure/function; Has not been previously published as pathogenic or benign to our knowledge

Ambry Genetics
Classification: Uncertain significance for Inborn genetic diseases. Last evaluated: 2024-03-15. Review status: criteria provided, single submitter. Criteria: Ambry Variant Classification Scheme 2023. Collection method: clinical testing. Allele origin: germline.

Baylor Genetics
Classification: Uncertain significance for Encephalopathy due to defective mitochondrial and peroxisomal fission 2. Last evaluated: 2019-01-03. Review status: criteria provided, single submitter. Criteria: ACMG Guidelines, 2015. Collection method: clinical testing. Allele origin: unknown. Affected: yes.
Comment: This variant was determined to be of uncertain significance according to ACMG Guidelines, 2015 [PMID:25741868].